The following is an entry in ClinVar:

NM_000350.3(ABCA4):c.3619G>T (p.Glu1207Ter)

Genes: ABCA4 (ATP binding cassette subfamily A member 4; minus strand), LOC126805794 (BRD4-independent group 4 enhancer GRCh37_chr1:94502188-94503387; plus strand). Cytogenetic location: 1p22.1.
Variant type: single nucleotide variant.
Coding change: c.3619G>T on transcript NM_000350.3 (MANE Select); coding-DNA position 3619, G replaced by T.
Protein change: p.Glu1207Ter; replaces glutamic acid 1207 with a stop codon.
Molecular consequence: nonsense.
Genome position (GRCh38, 1-based): chr1:94,037,339, C>A on the plus strand (G>T on the coding strand, the complement: ABCA4 is on the minus strand). VCF-style: chr1-94037339-C-A. GRCh37 (hg19) VCF-style: chr1-94502895-C-A.
Other names: c.3397G>T, p.Glu1133Ter (NM_001425324.1); short protein forms E1207*, E1133*.
Identifiers: ClinVar variation 1075789 (VCV001075789.9), dbSNP rs780950161, ClinGen allele CA341289639.

ClinVar aggregate classification (germline): Pathogenic (1 of 4 stars; one submission).

Submission:

Labcorp Genetics (formerly Invitae), Labcorp
Classification: Pathogenic. Last evaluated: 2022-07-06. Review status: criteria provided, single submitter. Criteria: Invitae Variant Classification Sherloc (09022015). Collection method: clinical testing. Allele origin: germline.
Comment: For these reasons, this variant has been classified as Pathogenic. ClinVar contains an entry for this variant (Variation ID: 1075789). This variant has not been reported in the literature in individuals affected with ABCA4-related conditions. This variant is not present in population databases (gnomAD no frequency). This sequence change creates a premature translational stop signal (p.Glu1207*) in the ABCA4 gene. It is expected to result in an absent or disrupted protein product. Loss-of-function variants in ABCA4 are known to be pathogenic (PMID: 10958761, 24938718, 25312043, 26780318).

Literature cited by the submitters: PubMed 10958761; PubMed 24938718; PubMed 25312043; PubMed 26780318.